The following is an entry in ClinVar:

NM_000219.6(KCNE1):c.159C>G (p.Phe53Leu)

Gene: KCNE1 (potassium voltage-gated channel subfamily E regulatory subunit 1; minus strand). Cytogenetic location: 21q22.12.
Variant type: single nucleotide variant.
Coding change: c.159C>G on transcript NM_000219.6 (MANE Select); coding-DNA position 159, C replaced by G.
Protein change: p.Phe53Leu; replaces phenylalanine 53 with leucine.
Molecular consequence: missense variant.
Genome position (GRCh38, 1-based): chr21:34,449,476, G>C on the plus strand (C>G on the coding strand, the complement: KCNE1 is on the minus strand). VCF-style: chr21-34449476-G-C. GRCh37 (hg19) VCF-style: chr21-35821774-G-C.
Other names: c.159C>G, p.Phe53Leu (NM_001127668.4, NM_001127669.4, NM_001127670.4 and 4 more transcripts); short protein forms F53L.
Identifiers: ClinVar variation 3374201 (VCV003374201.2).

Conditions:
Long QT syndrome 5 (LQT5). Identifiers: Orphanet 101016, Orphanet 768, MedGen C1867904, MONDO:0013372, OMIM 613695.

Submission:

Roden Lab, Vanderbilt University Medical Center
No classification provided (evidence only). Condition: Long QT syndrome 5. Review status: no classification provided. Collection method: in vitro. Allele origin: not applicable. Functional consequence: Effect on ion channel function.
ClinVar note: "not provided" was previously submitted as the classification for the variant. However, the classification appeared to be based only on an observation of functional data so it was converted to no classification on 2025-07-30.